The following is an entry in ClinVar:

NM_138694.4(PKHD1):c.4956T>A (p.Tyr1652Ter)

Genes: PKHD1 (PKHD1 ciliary IPT domain containing fibrocystin/polyductin; minus strand), LOC126859690 (MED14-independent group 3 enhancer GRCh37_chr6:51888848-51890047; plus strand). Cytogenetic location: 6p12.2.
Variant type: single nucleotide variant.
Coding change: c.4956T>A on transcript NM_138694.4 (MANE Select); coding-DNA position 4956, T replaced by A.
Protein change: p.Tyr1652Ter; replaces tyrosine 1652 with a stop codon.
Molecular consequence: nonsense.
Genome position (GRCh38, 1-based): chr6:52,024,854, A>T on the plus strand (T>A on the coding strand, the complement: PKHD1 is on the minus strand). VCF-style: chr6-52024854-A-T. GRCh37 (hg19) VCF-style: chr6-51889652-A-T.
Other names: c.4956T>A, p.Tyr1652Ter (NM_170724.3); short protein forms Y1652*.
Identifiers: ClinVar variation 3383404 (VCV003383404.2).

ClinVar aggregate classification (germline): Pathogenic (1 of 4 stars; one submission).

Submission:

Centre of Medical Genetics, University Hospital Muenster
Classification: Pathogenic. Last evaluated: 2023-06-21. Review status: criteria provided, single submitter. Criteria: ACMG Guidelines, 2015. Collection method: clinical testing. Allele origin: unknown. Affected: yes. Observed: 1 variant allele, 1 heterozygote.
Comment: ACMG categories: PVS1,PM1,PM2